The following is an entry in ClinVar:

NM_000548.5(TSC2):c.3010_3011delinsAG (p.Asp1004Ser)

Gene: TSC2 (TSC complex subunit 2; plus strand). Cytogenetic location: 16p13.3.
Variant type: Indel.
Coding change: c.3010_3011delinsAG on transcript NM_000548.5 (MANE Select); coding-DNA positions 3010 to 3011, GA replaced by AG.
Protein change: p.Asp1004Ser; replaces aspartic acid 1004 with serine.
Molecular consequence: missense variant. On other transcripts: non-coding transcript variant (5).
Genome position (GRCh38, 1-based): chr16:2,079,075-2,079,076, GA replaced by AG. VCF-style: chr16-2079075-GA-AG. GRCh37 (hg19) VCF-style: chr16-2129076-GA-AG.
Other names: c.3010_3011delGAinsAG, p.Asp1004Ser (NM_000548.3); c.2878_2879delinsAG, p.Asp960Ser (NM_001077183.3, NM_001370404.1, NM_001406665.1); c.3010_3011delinsAG, p.Asp1004Ser (NM_001114382.3); c.2770_2771delinsAG, p.Asp924Ser (NM_001318827.2); c.2734_2735delinsAG, p.Asp912Ser (NM_001318829.2); c.2278_2279delinsAG, p.Asp760Ser (NM_001318831.2, NM_001406687.1, NM_001406688.1); c.2911_2912delinsAG, p.Asp971Ser (NM_001318832.2); c.2881_2882delinsAG, p.Asp961Ser (NM_001363528.2, NM_001370405.1, NM_021055.3); and 19 more; short protein forms D1003S, D1004S, D426S, D512S, D513S, D556S, D760S, D761S.
Identifiers: ClinVar variation 3359300 (VCV003359300.1).
Genomic context (GRCh38, chr16:2,079,075, plus strand): 5'-ACGGCCTCTCCCTCCAGCAGGATACAGACGTCCCTCACCAGTGCCAGCTTGGGGTCTGCA[GA>AG]TGAGAACTCCGTGGCCCAGGCTGACGATAGCCTGAAAAACCTCCACCTGGAGCTCACGGA-3'
Protein context (NP_000539.2, residues 994-1014): SLTSASLGSA[Asp1004Ser]ENSVAQADDS

ClinVar aggregate classification (germline): Uncertain significance (1 of 4 stars; one submission).

Submission:

GeneDx
Classification: Uncertain significance. Last evaluated: 2023-05-30. Review status: criteria provided, single submitter. Criteria: GeneDx Variant Classification Process June 2021. Collection method: clinical testing. Allele origin: germline. Affected: yes.
Comment: Not observed at significant frequency in large population cohorts (gnomAD); In silico analysis supports a deleterious effect on protein structure/function; Has not been previously published as pathogenic or benign to our knowledge